The following is an entry in ClinVar:

NM_003482.4(KMT2D):c.4542C>T (p.Tyr1514=)

Gene: KMT2D (lysine methyltransferase 2D; minus strand). Cytogenetic location: 12q13.12.
Variant type: single nucleotide variant.
Coding change: c.4542C>T on transcript NM_003482.4 (MANE Select); coding-DNA position 4542, C replaced by T.
Protein change: p.Tyr1514=; no amino-acid change (tyrosine 1514 retained).
Molecular consequence: synonymous variant.
Genome position (GRCh38, 1-based): chr12:49,046,301, G>A on the plus strand (C>T on the coding strand, the complement: KMT2D is on the minus strand). VCF-style: chr12-49046301-G-A. GRCh37 (hg19) VCF-style: chr12-49440084-G-A.
Identifiers: ClinVar variation 774087 (VCV000774087.24), dbSNP rs755083623, ClinGen allele CA6547807.

ClinVar aggregate classification (germline): Likely benign. Review status: criteria provided, multiple submitters, no conflicts (2 of 4 stars). 4 submissions from 4 submitters: Likely benign (3). 1 of the submissions does not count toward it. Last evaluated 2025-10-11.

Conditions:
KMT2D-related disorder. Also called: KMT2D-Related Disorders.
Kabuki syndrome. Also called: NIIKAWA-KUROKI SYNDROME; Kabuki make-up syndrome. Identifiers: Orphanet 2322, MedGen C0796004, MONDO:0016512.

Allele frequency attached by ClinVar (database versions not stated): gnomAD exomes 0.00001; gnomAD 0.00003 and 0.00004; TOPMed 0.00004.

Submissions (4):

Labcorp Genetics (formerly Invitae), Labcorp
Classification: Likely benign for Kabuki syndrome. Last evaluated: 2025-10-11. Review status: criteria provided, single submitter. Criteria: Invitae Variant Classification Sherloc (09022015). Collection method: clinical testing. Allele origin: germline.

CeGaT Center for Human Genetics Tuebingen
Classification: Likely benign. Last evaluated: 2024-12-01. Review status: criteria provided, single submitter. Criteria: CeGaT Center For Human Genetics Tuebingen Variant Classification Criteria Version 2. Collection method: clinical testing. Allele origin: germline. Affected: yes. Observed: 1 variant allele.
Comment: KMT2D: BP4, BP7

Blueprint Genetics
Classification: Likely benign. Last evaluated: 2024-09-03. Review status: criteria provided, single submitter. Criteria: ACMG Guidelines, 2015. Collection method: clinical testing. Allele origin: germline.

PreventionGenetics, part of Exact Sciences
Classification: Likely benign for KMT2D-related condition. Last evaluated: 2022-02-17. Review status: no assertion criteria provided. Collection method: clinical testing. Allele origin: germline. Not counted in ClinVar's aggregate classification.
Comment: This variant is classified as likely benign based on ACMG/AMP sequence variant interpretation guidelines (Richards et al. 2015 PMID: 25741868, with internal and published modifications).